The following is an entry in ClinVar:

NM_001985.3(ETFB):c.438+3G>C

Gene: ETFB (electron transfer flavoprotein subunit beta; minus strand). Cytogenetic location: 19q13.41.
Variant type: single nucleotide variant.
Coding change: c.438+3G>C on transcript NM_001985.3 (MANE Select); 3 bases into the intron after coding-DNA position 438, G replaced by C.
Molecular consequence: intron variant.
Genome position (GRCh38, 1-based): chr19:51,350,326, C>G on the plus strand (G>C on the coding strand, the complement: ETFB is on the minus strand). VCF-style: chr19-51350326-C-G. GRCh37 (hg19) VCF-style: chr19-51853580-C-G.
Other names: c.711+3G>C (NM_001014763.1).
Identifiers: ClinVar variation 4718459 (VCV004718459.1).
Genomic context (GRCh38, chr19:51,350,326, plus strand): 5'-CAGAAATGAAGTTTGAGGGATGAGGGCCTGGCCCTCAGCAGGTGCTCCCCACTCCAGTCT[C>G]ACCTGTGGCCAGTCAAGAAATCCAGCTGTCATCTGCCCTGTCTGGTTACAGTCATCATCG-3'

ClinVar aggregate classification (germline): Uncertain significance (1 of 4 stars; one submission).

Conditions:
Multiple acyl-CoA dehydrogenase deficiency (MADD). Also called: Glutaric acidemia type II; GA 2; ETHYLMALONIC-ADIPICACIDURIA; GA II; Glutaric Acidemia type 2; Glutaric aciduria, type 2. Identifiers: Orphanet 26791, MedGen C0268596, MONDO:0009282, OMIM 231680.

Submission:

Labcorp Genetics (formerly Invitae), Labcorp
Classification: Uncertain significance for Multiple acyl-CoA dehydrogenase deficiency. Last evaluated: 2025-12-01. Review status: criteria provided, single submitter. Criteria: Invitae Variant Classification Sherloc (09022015). Collection method: clinical testing. Allele origin: germline.
Comment: This sequence change falls in intron 4 of the ETFB gene. It does not directly change the encoded amino acid sequence of the ETFB protein. It affects a nucleotide within the consensus splice site. This variant is not present in population databases (gnomAD no frequency). This variant has not been reported in the literature in individuals affected with ETFB-related conditions. Variants that disrupt the consensus splice site are a relatively common cause of aberrant splicing (PMID: 17576681, 9536098). Algorithms developed to predict the effect of sequence changes on RNA splicing suggest that this variant may disrupt the consensus splice site. In summary, the available evidence is currently insufficient to determine the role of this variant in disease. Therefore, it has been classified as a Variant of Uncertain Significance.

Literature cited by the submitters: PubMed 17576681; PubMed 9536098.